The following is an entry in ClinVar:

ClinVar aggregate classification (germline): Likely pathogenic (1 of 4 stars; one submission).

Conditions:
Alport syndrome. Also called: Hemorrhagic familial nephritis; Hemorrhagic hereditary nephritis; Congenital hereditary hematuria. Identifiers: Orphanet 63, MedGen C1567741, MONDO:0018965.

Submission:

Natera, Inc.
Classification: Likely pathogenic for Alport syndrome. Last evaluated: 2025-09-04. Review status: criteria provided, single submitter. Criteria: Natera Variant Classification Schema (03/2026). Collection method: clinical testing. Allele origin: germline.
Comment: The c.1916G>C variant in COL4A4 is a missense variant predicted to cause substitution of glycine to alanine at amino acid 639. This variant is rare in the general population with a frequency below the threshold expected for the associated phenotype(s). This variant is located in a functionally critical region of the protein. Computational prediction algorithms indicate this variant is likely to affect gene or protein function. Given the available evidence, this variant is classified as Likely Pathogenic.

NM_000092.5(COL4A4):c.1916G>C (p.Gly639Ala)

Gene: COL4A4 (collagen type IV alpha 4 chain; minus strand). Cytogenetic location: 2q36.3.
Variant type: single nucleotide variant.
Coding change: c.1916G>C on transcript NM_000092.5 (MANE Select); coding-DNA position 1916, G replaced by C.
Protein change: p.Gly639Ala; replaces glycine 639 with alanine.
Molecular consequence: missense variant.
Genome position (GRCh38, 1-based): chr2:227,077,965, C>G on the plus strand (G>C on the coding strand, the complement: COL4A4 is on the minus strand). VCF-style: chr2-227077965-C-G. GRCh37 (hg19) VCF-style: chr2-227942681-C-G.
Other names: short protein forms G639A.
Identifiers: ClinVar variation 4817301 (VCV004817301.1).